The following is an entry in ClinVar:

NM_198252.3(GSN):c.1887+5G>A

Gene: GSN (gelsolin; plus strand). Cytogenetic location: 9q33.2.
Variant type: single nucleotide variant.
Coding change: c.1887+5G>A on transcript NM_198252.3 (MANE Select); 5 bases into the intron after coding-DNA position 1887, G replaced by A.
Molecular consequence: intron variant.
Genome position (GRCh38, 1-based): chr9:121,329,020, G>A. VCF-style: chr9-121329020-G-A. GRCh37 (hg19) VCF-style: chr9-124091298-G-A.
Other names: c.1887+5G>A (NM_001353054.1, NM_001353053.1, NM_001353060.2 and 10 more transcripts); c.1920+5G>A (NM_001353064.2, NM_001353066.2, NM_001353073.2 and 13 more transcripts); c.1995+5G>A (NM_001127663.2); c.1959+5G>A (NM_001353076.2); c.1233+5G>A (NM_001353078.2); c.1938+5G>A (NM_001258029.2); c.1911+5G>A (NM_001258030.2); c.2040+5G>A (NM_000177.5).
Identifiers: ClinVar variation 2023586 (VCV002023586.4), dbSNP rs878873693, ClinGen allele CA199415230.

ClinVar aggregate classification (germline): Uncertain significance (1 of 4 stars; one submission).

Allele frequency attached by ClinVar (database versions not stated): gnomAD exomes below 0.00001.
gnomAD v4.1: 2 of 1,613,496 alleles (0.00012%); highest among the groups gnomAD compares: Non-Finnish European, 0.00017%; no homozygotes.

Submission:

Labcorp Genetics (formerly Invitae), Labcorp
Classification: Uncertain significance. Last evaluated: 2022-08-11. Review status: criteria provided, single submitter. Criteria: Invitae Variant Classification Sherloc (09022015). Collection method: clinical testing. Allele origin: germline.
Comment: This sequence change falls in intron 14 of the GSN gene. It does not directly change the encoded amino acid sequence of the GSN protein. It affects a nucleotide within the consensus splice site. This variant is not present in population databases (gnomAD no frequency). This variant has not been reported in the literature in individuals affected with GSN-related conditions. Variants that disrupt the consensus splice site are a relatively common cause of aberrant splicing (PMID: 17576681, 9536098). Algorithms developed to predict the effect of sequence changes on RNA splicing suggest that this variant may disrupt the consensus splice site. In summary, the available evidence is currently insufficient to determine the role of this variant in disease. Therefore, it has been classified as a Variant of Uncertain Significance.

Literature cited by the submitters: PubMed 17576681; PubMed 9536098.